The following is an entry in ClinVar:

NM_022489.4(INF2):c.1965C>T (p.Val655=)

Gene: INF2 (inverted formin 2; plus strand). Cytogenetic location: 14q32.33.
Variant type: single nucleotide variant.
Coding change: c.1965C>T on transcript NM_022489.4 (MANE Select); coding-DNA position 1965, C replaced by T.
Protein change: p.Val655=; no amino-acid change (valine 655 retained).
Molecular consequence: synonymous variant.
Genome position (GRCh38, 1-based): chr14:104,709,296, C>T. VCF-style: chr14-104709296-C-T. GRCh37 (hg19) VCF-style: chr14-105175633-C-T.
Other names: c.1965C>T, p.Val655= (NM_001031714.4).
Identifiers: ClinVar variation 1617217 (VCV001617217.39), dbSNP rs752090814, ClinGen allele CA7372767.

ClinVar aggregate classification (germline): Likely benign. Review status: criteria provided, multiple submitters, no conflicts (2 of 4 stars). 3 submissions from 3 submitters: Likely benign (3). Last evaluated 2025-12-10.

Conditions:
Focal segmental glomerulosclerosis 5 (FSGS5). Identifiers: Orphanet 656, MedGen C2750475, MONDO:0013191, OMIM 613237.
Charcot-Marie-Tooth disease dominant intermediate E. Also called: CHARCOT-MARIE-TOOTH NEUROPATHY WITH FOCAL SEGMENTAL GLOMERULONEPHRITIS. Identifiers: Orphanet 93114, MedGen C4302667, MONDO:0013758, OMIM 614455.

Allele frequency attached by ClinVar (database versions not stated): ExAC 0.00002; gnomAD 0.00002; gnomAD exomes 0.00002; TOPMed 0.00002.

Submissions (3):

Labcorp Genetics (formerly Invitae), Labcorp
Classification: Likely benign for Charcot-Marie-Tooth disease dominant intermediate E; Focal segmental glomerulosclerosis 5. Last evaluated: 2025-12-10. Review status: criteria provided, single submitter. Criteria: Invitae Variant Classification Sherloc (09022015). Collection method: clinical testing. Allele origin: germline.

CeGaT Center for Human Genetics Tuebingen
Classification: Likely benign. Last evaluated: 2022-08-01. Review status: criteria provided, single submitter. Criteria: CeGaT Center For Human Genetics Tuebingen Variant Classification Criteria Version 2. Collection method: clinical testing. Allele origin: germline. Affected: yes. Observed: 1 variant allele.
Comment: INF2: BP4, BP7

Fulgent Genetics
Classification: Likely benign for Focal segmental glomerulosclerosis 5; Charcot-Marie-Tooth disease dominant intermediate E. Last evaluated: 2022-04-13. Review status: criteria provided, single submitter. Criteria: ACMG Guidelines, 2015. Collection method: clinical testing. Allele origin: unknown.